The following is an entry in ClinVar:

NM_007294.4(BRCA1):c.2662C>T (p.His888Tyr)

Gene: BRCA1 (BRCA1 DNA repair associated; minus strand). Cytogenetic location: 17q21.31.
Variant type: single nucleotide variant.
Coding change: c.2662C>T on transcript NM_007294.4 (MANE Select); coding-DNA position 2662, C replaced by T.
Protein change: p.His888Tyr; replaces histidine 888 with tyrosine.
Molecular consequence: missense variant. On other transcripts: intron variant (137).
Genome position (GRCh38, 1-based): chr17:43,092,869, G>A on the plus strand (C>T on the coding strand, the complement: BRCA1 is on the minus strand). VCF-style: chr17-43092869-G-A. GRCh37 (hg19) VCF-style: chr17-41244886-G-A.
Other names: p.H888Y:CAC>TAC; c.2449C>T, p.His817Tyr (NM_001407571.1, NM_001407896.1, NM_001407897.1 and 9 more transcripts); c.2662C>T, p.His888Tyr (NM_001407581.1, NM_001407582.1, NM_001407583.1 and 30 more transcripts); c.2659C>T, p.His887Tyr (NM_001407587.1, NM_001407590.1, NM_001407591.1 and 22 more transcripts); c.2653C>T, p.His885Tyr (NM_001407646.1, NM_001407647.1); c.2539C>T, p.His847Tyr (NM_001407648.1, NM_001407666.1, NM_001407667.1 and 19 more transcripts); c.2536C>T, p.His846Tyr (NM_001407649.1, NM_001407670.1, NM_001407671.1 and 11 more transcripts); c.2584C>T, p.His862Tyr (NM_001407653.1, NM_001407654.1, NM_001407655.1 and 4 more transcripts); and 42 more; short protein forms H888Y, H841Y, H761Y, H800Y, H817Y, H861Y, H887Y, H760Y.
Identifiers: ClinVar variation 54632 (VCV000054632.86), dbSNP rs80357480, ClinGen allele CA001742.

ClinVar aggregate classification (germline): Conflicting classifications of pathogenicity. Review status: criteria provided, conflicting classifications (1 of 4 stars). 22 submissions from 22 submitters: Uncertain significance (10); Benign (4); Likely benign (5). 3 of the submissions do not count toward it. Last evaluated 2026-07-28.

Conditions:
Fanconi anemia, complementation group S (FANCS). Identifiers: MedGen C4554406, MONDO:0054748, OMIM 617883.
Pancreatic cancer, susceptibility to, 4. Identifiers: Orphanet 1333, MedGen C3280442, MONDO:0013685, OMIM 614320.
Breast-ovarian cancer, familial, susceptibility to, 1 (BROVCA1). Also called: BRCA1 Hereditary Breast and Ovarian Cancer; OVARIAN CANCER, SUSCEPTIBILITY TO. Identifiers: Orphanet 145, MedGen C2676676, MONDO:0011450, OMIM 604370. Disease mechanism: loss of function.
BRCA1-related disorder. Also called: BRCA1-related condition.
Breast and/or ovarian cancer. Identifiers: MedGen CN221562.
Hereditary cancer-predisposing syndrome. Also called: Hereditary Cancer Syndrome; Tumor predisposition; Neoplastic Syndromes, Hereditary; Hereditary neoplastic syndrome. Identifiers: Orphanet 140162, MedGen C0027672, MeSH D009386, MONDO:0015356.
Hereditary breast ovarian cancer syndrome. Also called: Breast and ovarian cancer; BRCA1- and BRCA2-Associated Hereditary Breast and Ovarian Cancer; Hereditary breast and ovarian cancer; Hereditary breast and ovarian cancer syndrome (HBOC); Hereditary breast and ovarian cancer syndrome; Hereditary breast and/or ovarian cancer syndrome. Identifiers: Orphanet 145, MedGen C0677776, MeSH D061325, MONDO:0003582. Disease mechanism: loss of function.

Allele frequency attached by ClinVar (database versions not stated): gnomAD exomes 0.00002 and 0.00003; TOPMed 0.00003; ExAC 0.00004; gnomAD 0.00002.

Submissions 1 to 11 of 22:

PreventionGenetics, part of Exact Sciences
Classification: Uncertain significance for BRCA1-related condition. Last evaluated: 2026-07-28. Review status: criteria provided, single submitter. Criteria: ACMG Guidelines, 2015. Collection method: clinical testing. Allele origin: germline.
Comment: The BRCA1 c.2662C>T variant is predicted to result in the amino acid substitution p.His888Tyr. This variant has been reported as uncertain in individuals with hereditary breast and ovarian cancer (Supplemental Table 4, Kraus et al. 2017. PubMed ID: 27616075; Supplemental Table 1, Alvarez et al. 2017. PubMed ID: 29088781). This variant was recently classified as an IARC class 1 variant based on co-segregation studies (Caputo et al. 2021. PubMed ID: 34597585). Furthermore, functional studies of this variant on protein function in a homologous recombination DNA repair assay showed no damaging effect (Supplementary Table S2, Bouwman et al. 2020. PubMed ID: 32546644). This variant is reported in 0.0035% of alleles in individuals of European (Non-Finnish) descent in gnomAD and has conflicting interpretations regarding its pathogenicity in ClinVar, ranging from likely benign to uncertain (Variation ID: 54632). Although we suspect that this variant may be benign, at this time, the clinical significance of this variant is uncertain due to the absence of conclusive functional and genetic evidence.

Labcorp Genetics (formerly Invitae), Labcorp
Classification: Likely benign for Hereditary breast ovarian cancer syndrome. Last evaluated: 2026-01-05. Review status: criteria provided, single submitter. Criteria: Invitae Variant Classification Sherloc (09022015). Collection method: clinical testing. Allele origin: germline.

Quest Diagnostics Nichols Institute San Juan Capistrano
Classification: Uncertain significance. Last evaluated: 2025-07-08. Review status: criteria provided, single submitter. Criteria: Quest Diagnostics criteria. Collection method: clinical testing. Allele origin: unknown.
Comment: The BRCA2 c.2662C>T (p.His888Tyr) variant has been reported in individuals with breast and/or ovarian cancer (PMIDs: 34981296 (2022), 31159747 (2019), 29088781 (2017), 28477318 (2017), 27616075 (2016), 18176857 (2008), 12938098 (2003)). This variant has also been identified in individuals with breast cancer as well as reportedly unaffected individuals in a large-scale breast cancer association study (PMID: 33471991 (2021), see also LOVD). A published functional study has reported that this variant does not have a deleterious effect on BRCA1 protein function (PMID: 32546644 (2020)). The frequency of this variant in the general population (Genome Aggregation Database) is uninformative in the assessment of its pathogenicity. Analysis of this variant using bioinformatics tools for the prediction of the effect of amino acid changes on protein structure and function yielded predictions that this variant is benign. Based on the available information, we are unable to determine the clinical significance of this variant.

CeGaT Center for Human Genetics Tuebingen
Classification: Likely benign. Last evaluated: 2025-07-01. Review status: criteria provided, single submitter. Criteria: CeGaT Center For Human Genetics Tuebingen Variant Classification Criteria Version 2. Collection method: clinical testing. Allele origin: germline. Affected: yes. Observed: 1 variant allele.
Comment: BRCA1: BP4, BS3:Supporting

GeneDx
Classification: Uncertain significance. Last evaluated: 2025-07-01. Review status: criteria provided, single submitter. Criteria: GeneDx Variant Classification Process June 2021. Collection method: clinical testing. Allele origin: germline. Affected: yes.
Comment: Observed in individuals with familial breast cancer or other history warranting hereditary cancer testing (PMID: 12938098, 16267036, 18176857, 29088781, 28477318, 27616075, 31159747, 33471991); Published functional studies demonstrate no damaging effect: homologous recombination repair activity comparable to wild-type (PMID: 32546644); Not observed at significant frequency in large population cohorts (gnomAD); In silico analysis supports that this missense variant has a deleterious effect on protein structure/function; Also known as 2781C>T; This variant is associated with the following publications: (PMID: 16267036, 12938098, 28477318, 18176857, 15385441, 27616075, 29088781, 26206375, 25348012, 22144684, 24393486, 31159747, 31294896, 31131967, 31112341, 34597585, 32377563, 33875564, 29884841, 10923033, 31911673, 33630411, 33471991, 34981296, 32546644, 38725546, 39895796, 15343273)

Molecular Diagnostics Laboratory, Catalan Institute of Oncology
Classification: Benign for Hereditary cancer-predisposing syndrome. Last evaluated: 2025-04-01. Review status: criteria provided, single submitter. Criteria: ClinGen BRCA1BRCA2 ACMG Specifications BRCA1 V1.0.0. Collection method: clinical testing. Allele origin: germline.
Comment: BS3, BP1_Strong c.2662C>T, located in exon 10 (11 according BIC nomenclature) of the BRCA1 gene, is predicted to result in the substitution of His by Tyr at codon 888, p.(His888Tyr). This position is outside a (potentially) clinically important functional domain and, moreover, the SpliceAI algorithm predicts no significant impact on splicing (BP1_strong). This variant is found in 5/236512 alleles at a frequency of 0.0021% in the gnomAD v2.1.1 database, non-cancer dataset. It was reported by one calibrated study to affect protein function similar to benign control variants (PMID: 32546644) (BS3). A published multifactorial likelihood analysis (PMID: 31131967) showed a combined LR of 1.83, which is inconclusive regarding benignity or pathogenicity. This variant has been reported in ClinVar (2x benign, 3x likely benign, 12x uncertain significance) and LOVD (1x benign, 2x likely benign, 3x uncertain significance) databases, and in BRCA Exchange database as not yet reviewed. Based on currently available information, the variant c.2662C>T should be considered a benign variant according to ClinGen- BRCA1 and BRCA2 Guidelines version 1.0.0.

Mayo Clinic Laboratories, Mayo Clinic
Classification: Benign. Last evaluated: 2025-03-31. Review status: criteria provided, single submitter. Criteria: ACMG Guidelines, 2015. Collection method: clinical testing. Allele origin: germline. Observed: 2 variant alleles.
Comment: BS1_supporting, BP1_strong, BP5_strong

Institute for Biomarker Research, Medical Diagnostic Laboratories, L.L.C.
Classification: Uncertain significance for Hereditary breast ovarian cancer syndrome. Last evaluated: 2025-03-14. Review status: criteria provided, single submitter. Criteria: ACMG Guidelines, 2015. Collection method: clinical testing. Allele origin: germline.
Comment: The missense variant NM_007294.4(BRCA1):c.2662C>T (p.His888Tyr) has not been reported previously as a pathogenic variant, to our knowledge.There is a moderate physicochemical difference between histidine and tyrosine. The gene BRCA1 has a low rate of benign missense variation as indicated by a high missense variants Z-Score of 2.32. The p.His888Tyr missense variant is predicted to be tolerated by both SIFT or PolyPhen2. . For these reasons, this variant has been classified as Uncertain Significance

Blueprint Genetics
Classification: Likely benign. Last evaluated: 2024-05-30. Review status: criteria provided, single submitter. Criteria: ACMG Guidelines, 2015. Collection method: clinical testing. Allele origin: germline.

Fulgent Genetics
Classification: Uncertain significance for Breast-ovarian cancer, familial, susceptibility to, 1; Pancreatic cancer, susceptibility to, 4; Fanconi anemia, complementation group S. Last evaluated: 2024-05-04. Review status: criteria provided, single submitter. Criteria: ACMG Guidelines, 2015. Collection method: clinical testing. Allele origin: germline.

Mendelics
Classification: Likely benign for Breast-ovarian cancer, familial, susceptibility to, 1. Last evaluated: 2024-04-09. Review status: criteria provided, single submitter. Criteria: ACMG Guidelines, 2015. Collection method: clinical testing. Allele origin: unknown.